The following is an entry in ClinVar:

ClinVar aggregate classification (germline): Uncertain significance (1 of 4 stars; one submission).

Allele frequency attached by ClinVar (database versions not stated): TOPMed below 0.00001.
gnomAD v4.1: 1 of 1,565,398 alleles (0.000064%); highest among the groups gnomAD compares: Non-Finnish European, 0.000086%; no homozygotes.

Submission:

Ambry Genetics
Classification: Uncertain significance. Last evaluated: 2022-11-11. Review status: criteria provided, single submitter. Criteria: Ambry Variant Classification Scheme 2023. Collection method: clinical testing. Allele origin: germline.
Comment: The p.L96M variant (also known as c.286C>A), located in coding exon 1 of the TERF2IP gene, results from a C to A substitution at nucleotide position 286. The leucine at codon 96 is replaced by methionine, an amino acid with highly similar properties. This amino acid position is conserved. In addition, this alteration is predicted to be tolerated by in silico analysis. Since supporting evidence is limited at this time, the clinical significance of this alteration remains unclear.

NM_018975.4(TERF2IP):c.286C>A (p.Leu96Met)

Gene: TERF2IP (TERF2 interacting protein; plus strand). Cytogenetic location: 16q23.1.
Variant type: single nucleotide variant.
Coding change: c.286C>A on transcript NM_018975.4 (MANE Select); coding-DNA position 286, C replaced by A.
Protein change: p.Leu96Met; replaces leucine 96 with methionine.
Molecular consequence: missense variant. On other transcripts: non-coding transcript variant (1).
Genome position (GRCh38, 1-based): chr16:75,648,168, C>A. VCF-style: chr16-75648168-C-A. GRCh37 (hg19) VCF-style: chr16-75682066-C-A.
Other names: short protein forms L96M.
Identifiers: ClinVar variation 3227163 (VCV003227163.1), dbSNP rs1390672212, ClinGen allele CA396817599.